The following is an entry in ClinVar:

ClinVar aggregate classification (germline): Uncertain significance. Review status: criteria provided, multiple submitters, no conflicts (2 of 4 stars). 2 submissions from 2 submitters: Uncertain significance (2). Last evaluated 2025-10-18.

gnomAD v4.1: 11 of 1,456,962 alleles (0.00075%); highest among the groups gnomAD compares: Admixed American, 0.0081%; no homozygotes.

Submissions (2):

Ambry Genetics
Classification: Uncertain significance. Last evaluated: 2025-10-18. Review status: criteria provided, single submitter. Criteria: Ambry Variant Classification Scheme 2023. Collection method: clinical testing. Allele origin: germline.

Labcorp Genetics (formerly Invitae), Labcorp
Classification: Uncertain significance. Last evaluated: 2024-09-14. Review status: criteria provided, single submitter. Criteria: Invitae Variant Classification Sherloc (09022015). Collection method: clinical testing. Allele origin: germline.
Comment: This sequence change replaces isoleucine, which is neutral and non-polar, with threonine, which is neutral and polar, at codon 2836 of the WDR87 protein (p.Ile2836Thr). This variant is not present in population databases (gnomAD no frequency). This variant has not been reported in the literature in individuals affected with WDR87-related conditions. An algorithm developed to predict the effect of missense changes on protein structure and function outputs the following: PolyPhen-2: "Not Available". The threonine amino acid residue is found in multiple mammalian species, which suggests that this missense change does not adversely affect protein function. In summary, the available evidence is currently insufficient to determine the role of this variant in disease. Therefore, it has been classified as a Variant of Uncertain Significance.

NM_001291088.2(WDR87):c.8624T>C (p.Ile2875Thr)

Gene: WDR87 (WD repeat domain 87; minus strand). Cytogenetic location: 19q13.13.
Variant type: single nucleotide variant.
Coding change: c.8624T>C on transcript NM_001291088.2 (MANE Select); coding-DNA position 8624, T replaced by C.
Protein change: p.Ile2875Thr; replaces isoleucine 2875 with threonine.
Molecular consequence: missense variant.
Genome position (GRCh38, 1-based): chr19:37,885,047, A>G on the plus strand (T>C on the coding strand, the complement: WDR87 is on the minus strand). VCF-style: chr19-37885047-A-G. GRCh37 (hg19) VCF-style: chr19-38375687-A-G.
Other names: c.8507T>C, p.Ile2836Thr (NM_031951.5); c.8507T>C (NM_031951.3); short protein forms I2836T, I2875T.
Identifiers: ClinVar variation 3604934 (VCV003604934.3).